The following is an entry in ClinVar:

ClinVar aggregate classification (germline): Uncertain significance (1 of 4 stars; one submission).

Allele frequency attached by ClinVar (database versions not stated): gnomAD exomes below 0.00001.
gnomAD v4.1: 1 of 1,614,058 alleles (0.000062%); highest among the groups gnomAD compares: Non-Finnish European, 0.000085%; no homozygotes.

Submission:

Labcorp Genetics (formerly Invitae), Labcorp
Classification: Uncertain significance. Last evaluated: 2022-02-17. Review status: criteria provided, single submitter. Criteria: Invitae Variant Classification Sherloc (09022015). Collection method: clinical testing. Allele origin: germline.
Comment: Algorithms developed to predict the effect of missense changes on protein structure and function (SIFT, PolyPhen-2, Align-GVGD) all suggest that this variant is likely to be disruptive. In summary, the available evidence is currently insufficient to determine the role of this variant in disease. Therefore, it has been classified as a Variant of Uncertain Significance. This variant has not been reported in the literature in individuals affected with KIAA1549-related conditions. This variant is not present in population databases (gnomAD no frequency). This sequence change replaces tyrosine, which is neutral and polar, with histidine, which is basic and polar, at codon 1320 of the KIAA1549 protein (p.Tyr1320His).

NM_001164665.2(KIAA1549):c.3958T>C (p.Tyr1320His)

Gene: KIAA1549 (KIAA1549; minus strand). Cytogenetic location: 7q34.
Variant type: single nucleotide variant.
Coding change: c.3958T>C on transcript NM_001164665.2 (MANE Select); coding-DNA position 3958, T replaced by C.
Protein change: p.Tyr1320His; replaces tyrosine 1320 with histidine.
Molecular consequence: missense variant.
Genome position (GRCh38, 1-based): chr7:138,894,416, A>G on the plus strand (T>C on the coding strand, the complement: KIAA1549 is on the minus strand). VCF-style: chr7-138894416-A-G. GRCh37 (hg19) VCF-style: chr7-138579162-A-G.
Other names: c.3958T>C, p.Tyr1320His (NM_020910.3); short protein forms Y1320H.
Identifiers: ClinVar variation 1356335 (VCV001356335.6), dbSNP rs2130433441, ClinGen allele CA369380395.